The following is an entry in ClinVar:

NM_001235.5(SERPINH1):c.664C>T (p.Arg222Cys)

Gene: SERPINH1 (serpin family H member 1; plus strand). Cytogenetic location: 11q13.5.
Variant type: single nucleotide variant.
Coding change: c.664C>T on transcript NM_001235.5 (MANE Select); coding-DNA position 664, C replaced by T.
Protein change: p.Arg222Cys; replaces arginine 222 with cysteine.
Molecular consequence: missense variant. On other transcripts: intron variant (1).
Genome position (GRCh38, 1-based): chr11:75,568,772, C>T. VCF-style: chr11-75568772-C-T. GRCh37 (hg19) VCF-style: chr11-75279817-C-T.
Other names: c.664C>T, p.Arg222Cys (NM_001207014.3, NM_001440311.1, NM_001440314.1 and 4 more transcripts); c.623-167C>T (NM_001440317.1); short protein forms R222C.
Identifiers: ClinVar variation 4781697 (VCV004781697.1).

ClinVar aggregate classification (germline): Uncertain significance (1 of 4 stars; one submission).

gnomAD v4.1: 11 of 1,613,682 alleles (0.00068%); highest among the groups gnomAD compares: South Asian, 0.0022%; no homozygotes.

Submission:

Labcorp Genetics (formerly Invitae), Labcorp
Classification: Uncertain significance. Last evaluated: 2025-12-16. Review status: criteria provided, single submitter. Criteria: Invitae Variant Classification Sherloc (09022015). Collection method: clinical testing. Allele origin: germline.
Comment: This sequence change replaces arginine, which is basic and polar, with cysteine, which is neutral and slightly polar, at codon 222 of the SERPINH1 protein (p.Arg222Cys). This variant is present in population databases (rs747743316, gnomAD 0.01%). This missense change has been observed in individual(s) with osteogenesis imperfecta (internal data). Invitae Evidence Modeling of protein sequence and biophysical properties (such as structural, functional, and spatial information, amino acid conservation, physicochemical variation, residue mobility, and thermodynamic stability) indicates that this missense variant is expected to disrupt SERPINH1 protein function with a positive predictive value of 80%. This variant disrupts the p.Arg222 amino acid residue in SERPINH1. Other variant(s) that disrupt this residue have been observed in individuals with SERPINH1-related conditions (PMID: 25044831; internal data), which suggests that this may be a clinically significant amino acid residue. In summary, the available evidence is currently insufficient to determine the role of this variant in disease. Therefore, it has been classified as a Variant of Uncertain Significance.

Literature cited by the submitters: PubMed 25044831.